The following is an entry in ClinVar:

NM_144599.5(NIPA1):c.*3118_*3127del

Gene: NIPA1 (NIPA magnesium transporter 1; plus strand). Cytogenetic location: 15q11.2.
Variant type: Deletion.
Coding change: c.*3118_*3127del on transcript NM_144599.5 (MANE Select); 3118 bases downstream of the stop codon through 3127 bases downstream of the stop codon, 10 bases deleted (CATCTTCCCG; older notation c.*3118_*3127delCATCTTCCCG).
Molecular consequence: 3 prime UTR variant.
Genome position (GRCh38, 1-based): chr15:22,827,357-22,827,366, CATCTTCCCG deleted; deleting any 10 consecutive bases within chr15:22,827,356-22,827,366 gives the same sequence; the c. name uses the placement nearest the transcript's 3' end. VCF-style (leftmost placement, unchanged base first): chr15-22827355-AGCATCTTCCC-A. GRCh37 (hg19) VCF-style: chr15-23045701-CCGGGAAGATG-C.
Other names: c.*3118_*3127del (NM_001142275.1).
Identifiers: ClinVar variation 2644951 (VCV002644951.24), dbSNP rs575762334, ClinGen allele CA267609666.

ClinVar aggregate classification (germline): Likely benign (1 of 4 stars; one submission).

Submission:

CeGaT Center for Human Genetics Tuebingen
Classification: Likely benign. Last evaluated: 2023-01-01. Review status: criteria provided, single submitter. Criteria: CeGaT Center For Human Genetics Tuebingen Variant Classification Criteria Version 2. Collection method: clinical testing. Allele origin: germline. Affected: yes. Observed: 1 variant allele.
Comment: NIPA1: BS1